The following is an entry in ClinVar:

NM_024422.6(DSC2):c.1869G>C (p.Trp623Cys)

Gene: DSC2 (desmocollin 2; minus strand). Cytogenetic location: 18q12.1.
Variant type: single nucleotide variant.
Coding change: c.1869G>C on transcript NM_024422.6 (MANE Select); coding-DNA position 1869, G replaced by C.
Protein change: p.Trp623Cys; replaces tryptophan 623 with cysteine.
Molecular consequence: missense variant.
Genome position (GRCh38, 1-based): chr18:31,074,702, C>G on the plus strand (G>C on the coding strand, the complement: DSC2 is on the minus strand). VCF-style: chr18-31074702-C-G. GRCh37 (hg19) VCF-style: chr18-28654668-C-G.
Other names: c.1440G>C, p.Trp480Cys (NM_001406506.1, NM_001406507.1); c.1869G>C, p.Trp623Cys (NM_004949.5); short protein forms W480C, W623C.
Identifiers: ClinVar variation 3901317 (VCV003901317.1).

ClinVar aggregate classification (germline): Uncertain significance (1 of 4 stars; one submission).

Submission:

GeneDx
Classification: Uncertain significance. Last evaluated: 2024-12-06. Review status: criteria provided, single submitter. Criteria: GeneDx Variant Classification Process June 2021. Collection method: clinical testing. Allele origin: germline. Affected: yes.
Comment: Not observed at significant frequency in large population cohorts (gnomAD); In silico analysis supports that this missense variant has a deleterious effect on protein structure/function; Has not been previously published as pathogenic or benign to our knowledge